The following is an entry in ClinVar:

ClinVar aggregate classification (germline): Uncertain significance (1 of 4 stars; one submission).

Submission:

Labcorp Genetics (formerly Invitae), Labcorp
Classification: Uncertain significance. Last evaluated: 2021-03-29. Review status: criteria provided, single submitter. Criteria: Invitae Variant Classification Sherloc (09022015). Collection method: clinical testing. Allele origin: germline.
Comment: This sequence change falls in intron 10 of the SLC9A3 gene. It does not directly change the encoded amino acid sequence of the SLC9A3 protein. It affects a nucleotide within the consensus splice site of the intron. This variant is not present in population databases (ExAC no frequency). This variant has not been reported in the literature in individuals with SLC9A3-related conditions. Nucleotide substitutions within the consensus splice site are a relatively common cause of aberrant splicing (PMID: 17576681, 9536098). Experimental studies and prediction algorithms are not available or were not evaluated, and the effect of this variant on mRNA splicing is currently unknown. In summary, the available evidence is currently insufficient to determine the role of this variant in disease. Therefore, it has been classified as a Variant of Uncertain Significance.

Literature cited by the submitters: PubMed 17576681; PubMed 9536098.

NM_004174.4(SLC9A3):c.1647+2dup

Genes: SLC9A3 (solute carrier family 9 member A3), SLC9A3-AS1 (SLC9A3 antisense RNA 1; plus strand). Cytogenetic location: 5p15.33.
Variant type: Duplication.
Coding change: c.1647+2dup on transcript NM_004174.4 (MANE Select); the canonical splice donor site of the intron after coding-DNA position 1647, one base duplicated.
Molecular consequence: splice donor variant. On other transcripts: non-coding transcript variant (1).
Genome position: GRCh38 VCF-style: chr5-479833-T-TA. GRCh37 (hg19) VCF-style: chr5-479948-T-TA.
Other names: c.1620+2dup (NM_001284351.3).
Identifiers: ClinVar variation 1468745 (VCV001468745.3), dbSNP rs2126612970, ClinGen allele CA2573139550.